The following is an entry in ClinVar:

ClinVar aggregate classification (germline): Pathogenic/Likely pathogenic. Review status: criteria provided, multiple submitters, no conflicts (2 of 4 stars). 5 submissions from 5 submitters: Pathogenic (4); Likely pathogenic (1). Last evaluated 2025-01-28.

Conditions:
Oculocutaneous albinism type 1. Also called: Albinism 1; ALBINISM I. Identifiers: Orphanet 352731, MedGen C0268494, MONDO:0018135. Disease mechanism: loss of function.
Oculocutaneous albinism type 1A (OCA1A). Also called: Albinism, oculocutaneous, type IA. Identifiers: Orphanet 352731, Orphanet 79431, MedGen C4551504, MONDO:0008745, OMIM 203100. Disease mechanism: loss of function.
SKIN/HAIR/EYE PIGMENTATION 3, LIGHT/DARK SKIN (SHEP3). Also called: SKIN/HAIR/EYE PIGMENTATION, VARIATION IN, 3; SKIN/HAIR/EYE PIGMENTATION 3, BLUE/GREEN EYE COLOR; SKIN/HAIR/EYE PIGMENTATION 3, FRECKLING; EYE COLOR 1; EYE COLOR, GREEN/BLUE. Identifiers: MedGen C2677190, OMIM 601800.

Allele frequency attached by ClinVar (database versions not stated): gnomAD exomes below 0.00001; TOPMed below 0.00001; ExAC 0.00001; gnomAD 0.00001.
gnomAD v4.1: 3 of 1,614,066 alleles (0.00019%); highest among the groups gnomAD compares: Non-Finnish European, 0.00025%; no homozygotes.

Submissions (5):

Myriad Genetics, Inc.
Classification: Pathogenic for Oculocutaneous albinism type 1. Last evaluated: 2025-01-28. Review status: criteria provided, single submitter. Criteria: Myriad Autosomal Dominant, Autosomal Recessive and X-Linked Classification Criteria (2023). Collection method: clinical testing. Allele origin: unknown.
Comment: NM_000372.4(TYR):c.116G>A(W39*) is a nonsense variant classified as pathogenic in the context of oculocutaneous albinism, TYR-related. W39* has been observed in cases with relevant disease (PMID: 13680365, 34838614). Relevant functional assessments of this variant are not available in the literature. W39* has been observed in referenced population frequency databases. In summary, NM_000372.4(TYR):c.116G>A(W39*) is a nonsense variant in a gene where loss of function is a known mechanism of disease, is predicted to disrupt protein function, and has been observed more frequently in cases with the relevant disease than in healthy populations. Please note: this variant was assessed in the context of healthy population screening.

Labcorp Genetics (formerly Invitae), Labcorp
Classification: Pathogenic. Last evaluated: 2024-11-19. Review status: criteria provided, single submitter. Criteria: Invitae Variant Classification Sherloc (09022015). Collection method: clinical testing. Allele origin: germline.
Comment: This sequence change creates a premature translational stop signal (p.Trp39*) in the TYR gene. It is expected to result in an absent or disrupted protein product. Loss-of-function variants in TYR are known to be pathogenic (PMID: 23504663). This variant is present in population databases (rs775683960, gnomAD 0.0009%). This premature translational stop signal has been observed in individual(s) with ocular albinism (PMID: 13680365, 27734839). ClinVar contains an entry for this variant (Variation ID: 449541). For these reasons, this variant has been classified as Pathogenic.

Baylor Genetics
Classification: Pathogenic for SKIN/HAIR/EYE PIGMENTATION 3, LIGHT/DARK SKIN. Last evaluated: 2024-03-20. Review status: criteria provided, single submitter. Criteria: ACMG Guidelines, 2015. Collection method: clinical testing. Allele origin: unknown.

Genome-Nilou Lab
Classification: Likely pathogenic for Oculocutaneous albinism type 1A. Last evaluated: 2021-07-22. Review status: criteria provided, single submitter. Criteria: ACMG Guidelines, 2015. Collection method: clinical testing. Allele origin: germline. Affected: no.

GeneDx
Classification: Pathogenic. Last evaluated: 2017-07-17. Review status: criteria provided, single submitter. Criteria: GeneDx Variant Classification (06012015). Collection method: clinical testing. Allele origin: germline. Affected: yes.
Comment: The W39X variant in the TYR gene has been reported previously in an individual with oculocutaneous albinism type 1B who also harbored a missense pathogenic variant on the other TYR allele (King et al., 2003). This variant is predicted to cause loss of normal protein function either through protein truncation or nonsense-mediated mRNA decay. The W39X variant is not observed at a significant frequency in large population cohorts (Lek et al., 2016; 1000 Genomes Consortium et al., 2015; Exome Variant Server). We interpret W39X as a pathogenic variant.

Literature cited by the submitters: PubMed 13680365 (cited by Myriad Genetics, Inc. and Labcorp Genetics (formerly Invitae), Labcorp); PubMed 34838614 (cited by Myriad Genetics, Inc.); PubMed 23504663 (cited by Labcorp Genetics (formerly Invitae), Labcorp); PubMed 27734839 (cited by Labcorp Genetics (formerly Invitae), Labcorp).

NM_000372.5(TYR):c.116G>A (p.Trp39Ter)

Gene: TYR (tyrosinase; plus strand). Cytogenetic location: 11q14.3.
Variant type: single nucleotide variant.
Coding change: c.116G>A on transcript NM_000372.5 (MANE Select); coding-DNA position 116, G replaced by A.
Protein change: p.Trp39Ter; replaces tryptophan 39 with a stop codon.
Molecular consequence: nonsense.
Genome position (GRCh38, 1-based): chr11:89,178,069, G>A. VCF-style: chr11-89178069-G-A. GRCh37 (hg19) VCF-style: chr11-88911237-G-A.
Other names: short protein forms W39*.
Identifiers: ClinVar variation 449541 (VCV000449541.11), dbSNP rs775683960, ClinGen allele CA6221043.
Genomic context (GRCh38, chr11:89,178,069, plus strand): 5'-ATTTCCCTAGAGCCTGTGTCTCCTCTAAGAACCTGATGGAGAAGGAATGCTGTCCACCGT[G>A]GAGCGGGGACAGGAGTCCCTGTGGCCAGCTTTCAGGCAGAGGTTCCTGTCAGAATATCCT-3'